The following is an entry in ClinVar:

ClinVar aggregate classification (germline): Uncertain significance (1 of 4 stars; one submission).

Conditions:
Baraitser-Winter syndrome 1 (BRWS1). Also called: BARAITSER-WINTER SYNDROME 1, ATYPICAL; PACHYGYRIA, MENTAL RETARDATION, EPILEPSY, AND CHARACTERISTIC FACIES; MENTAL RETARDATION WITH EPILEPSY AND CHARACTERISTIC FACIES; Cerebrofrontofacial syndrome. Identifiers: Orphanet 2649, Orphanet 2995, MedGen C1855722, MONDO:0009470, OMIM 243310.

Submission:

Labcorp Genetics (formerly Invitae), Labcorp
Classification: Uncertain significance for Baraitser-Winter syndrome 1. Last evaluated: 2023-06-20. Review status: criteria provided, single submitter. Criteria: Invitae Variant Classification Sherloc (09022015). Collection method: clinical testing. Allele origin: germline.
Comment: In summary, the available evidence is currently insufficient to determine the role of this variant in disease. Therefore, it has been classified as a Variant of Uncertain Significance. Advanced modeling of protein sequence and biophysical properties (such as structural, functional, and spatial information, amino acid conservation, physicochemical variation, residue mobility, and thermodynamic stability) performed at Invitae indicates that this missense variant is not expected to disrupt ACTB protein function. This sequence change replaces isoleucine, which is neutral and non-polar, with phenylalanine, which is neutral and non-polar, at codon 309 of the ACTB protein (p.Ile309Phe). This variant is not present in population databases (gnomAD no frequency). This variant has not been reported in the literature in individuals affected with ACTB-related conditions.

NM_001101.5(ACTB):c.925A>T (p.Ile309Phe)

Gene: ACTB (actin beta; minus strand). Cytogenetic location: 7p22.1.
Variant type: single nucleotide variant.
Coding change: c.925A>T on transcript NM_001101.5 (MANE Select); coding-DNA position 925, A replaced by T.
Protein change: p.Ile309Phe; replaces isoleucine 309 with phenylalanine.
Molecular consequence: missense variant.
Genome position (GRCh38, 1-based): chr7:5,528,063, T>A on the plus strand (A>T on the coding strand, the complement: ACTB is on the minus strand). VCF-style: chr7-5528063-T-A. GRCh37 (hg19) VCF-style: chr7-5567694-T-A.
Other names: short protein forms I309F.
Identifiers: ClinVar variation 2796886 (VCV002796886.3), dbSNP rs539831938, ClinGen allele CA366700011.